The following is an entry in ClinVar:

ClinVar aggregate classification (germline): Benign/Likely benign. Review status: criteria provided, multiple submitters, no conflicts (2 of 4 stars). 6 submissions from 6 submitters: Benign (5); Likely benign (1). Last evaluated 2026-02-04.

Conditions:
Immunodeficiency 25. Also called: Immunodeficiency due to defect in cd3-zeta, somatic. Identifiers: MedGen C1857798, MONDO:0012426, OMIM 610163.

Allele frequency attached by ClinVar (database versions not stated): ESP Exome Variant Server 0.10334; gnomAD 0.10900 and 0.11180; TOPMed 0.11136; ExAC 0.12064; gnomAD exomes 0.12070; 1000 Genomes Project 30x 0.14038; 1000 Genomes Project 0.14357.
gnomAD v4.1: 189,128 of 1,611,902 alleles (12%); highest among the groups gnomAD compares: East Asian, 31%; 12,284 homozygotes.

Submissions (6):

Labcorp Genetics (formerly Invitae), Labcorp
Classification: Benign for Immunodeficiency 25. Last evaluated: 2026-02-04. Review status: criteria provided, single submitter. Criteria: Invitae Variant Classification Sherloc (09022015). Collection method: clinical testing. Allele origin: germline.

Women's Health and Genetics/Laboratory Corporation of America, LabCorp
Classification: Benign. Last evaluated: 2026-01-21. Review status: criteria provided, single submitter. Criteria: LabCorp Variant Classification Summary - May 2015. Collection method: clinical testing. Allele origin: germline.

Blueprint Genetics
Classification: Likely benign. Last evaluated: 2024-11-26. Review status: criteria provided, single submitter. Criteria: ACMG Guidelines, 2015. Collection method: clinical testing. Allele origin: germline.

Unidad de Genómica Garrahan, Hospital de Pediatría Garrahan
Classification: Benign. Last evaluated: 2023-11-12. Review status: criteria provided, single submitter. Criteria: ACMG Guidelines, 2015. Collection method: clinical testing. Allele origin: germline. Affected: no. Observed: 21 variant alleles.
Comment: This variant is classified as Benign based on local population frequency. This variant was detected in 22% of patients studied by a panel of primary immunodeficiencies. Number of patients: 21. Only high quality variants are reported.

GeneDx
Classification: Benign. Last evaluated: 2015-03-03. Review status: criteria provided, single submitter. Criteria: GeneDx Variant Classification Process June 2021. Collection method: clinical testing. Allele origin: germline. Affected: yes.

Breakthrough Genomics
Classification: Benign. Review status: criteria provided, single submitter. Criteria: ACMG Guidelines, 2015. Collection method: not provided. Allele origin: germline. Inheritance: Autosomal recessive inheritance. Affected: yes.

NM_198053.3(CD247):c.219+16C>A

Gene: CD247 (CD247 molecule; minus strand). Cytogenetic location: 1q24.2.
Variant type: single nucleotide variant.
Coding change: c.219+16C>A on transcript NM_198053.3 (MANE Select); 16 bases into the intron after coding-DNA position 219, C replaced by A.
Molecular consequence: intron variant.
Genome position (GRCh38, 1-based): chr1:167,439,328, G>T on the plus strand (C>A on the coding strand, the complement: CD247 is on the minus strand). VCF-style: chr1-167439328-G-T. GRCh37 (hg19) VCF-style: chr1-167408565-G-T.
Other names: c.219+16C>A (NM_000734.4); c.312+16C>A (NM_001378516.1, NM_001378515.1).
Identifiers: ClinVar variation 1166019 (VCV001166019.15), dbSNP rs12141641, ClinGen allele CA1226060.